The following is an entry in ClinVar:

ClinVar aggregate classification (germline): Uncertain significance. Review status: criteria provided, multiple submitters, no conflicts (2 of 4 stars). 8 submissions from 4 submitters: Uncertain significance (8). Last evaluated 2026-03-28.

Conditions:
Encephalopathy due to GLUT1 deficiency. Also called: De Vivo disease; GLUT1 deficiency syndrome 1, infantile onset, severe; GLUCOSE TRANSPORT DEFECT, BLOOD-BRAIN BARRIER; Classic Glucose Transporter Type 1 Deficiency Syndrome; Glucose transporter protein syndrome; GLUT1 deficiency syndrome 1. Identifiers: Orphanet 71277, MedGen C4551966, MONDO:0011724, OMIM 606777.
Childhood onset GLUT1 deficiency syndrome 2. Also called: GLUT1 deficiency syndrome 2; Paroxysmal exercise-induced dystonia; PxMD-SLC2A1; PAROXYSMAL EXERCISE-INDUCED DYSKINESIA WITH OR WITHOUT EPILEPSY AND/OR HEMOLYTIC ANEMIA; PAROXYSMAL EXERTION-INDUCED DYSTONIA WITH OR WITHOUT EPILEPSY AND/OR HEMOLYTIC ANEMIA; PED WITH OR WITHOUT EPILEPSY AND/OR HEMOLYTIC ANEMIA. Identifiers: Orphanet 98811, MedGen C1842534, MONDO:0012805, OMIM 612126.
Dystonia 9 (DYT9). Also called: CHOREOATHETOSIS, KINESIGENIC, WITH EPISODIC ATAXIA AND SPASTICITY. Identifiers: Orphanet 53583, MedGen C1832855, MONDO:0010983, OMIM 601042.
Epilepsy, idiopathic generalized, susceptibility to, 12 (EIG12). Identifiers: MedGen C3553859, MONDO:0013919, OMIM 614847.
Hereditary cryohydrocytosis with reduced stomatin. Also called: GLUT1 DEFICIENCY SYNDROME WITH PSEUDOHYPERKALEMIA AND HEMOLYSIS; Stomatin-deficient cryohydrocytosis with neurologic defects. Identifiers: Orphanet 168577, MedGen C1837206, MONDO:0012143, OMIM 608885.

Allele frequency attached by ClinVar (database versions not stated): TOPMed 0.00001; gnomAD 0.00001.
gnomAD v4.1: 1 of 1,613,626 alleles (0.000062%); highest among the groups gnomAD compares: African/African-American, 0.0013%; no homozygotes.

Submissions (8):

GeneDx
Classification: Uncertain significance. Last evaluated: 2026-03-28. Review status: criteria provided, single submitter. Criteria: GeneDx Variant Classification Process June 2021. Collection method: clinical testing. Allele origin: germline.
Comment: Not observed at significant frequency in large population cohorts (gnomAD); In silico analysis supports that this missense variant has a deleterious effect on protein structure/function; Has not been previously published as pathogenic or benign to our knowledge

Genome-Nilou Lab
Classification: Uncertain significance for Epilepsy, idiopathic generalized, susceptibility to, 12. Last evaluated: 2023-04-11. Review status: criteria provided, single submitter. Criteria: ACMG Guidelines, 2015. Collection method: clinical testing. Allele origin: germline. Affected: no.

Genome-Nilou Lab
Classification: Uncertain significance for Dystonia 9. Last evaluated: 2023-04-11. Review status: criteria provided, single submitter. Criteria: ACMG Guidelines, 2015. Collection method: clinical testing. Allele origin: germline. Affected: no.

Genome-Nilou Lab
Classification: Uncertain significance for Encephalopathy due to GLUT1 deficiency. Last evaluated: 2023-04-11. Review status: criteria provided, single submitter. Criteria: ACMG Guidelines, 2015. Collection method: clinical testing. Allele origin: germline. Affected: no.

Genome-Nilou Lab
Classification: Uncertain significance for Childhood onset GLUT1 deficiency syndrome 2. Last evaluated: 2023-04-11. Review status: criteria provided, single submitter. Criteria: ACMG Guidelines, 2015. Collection method: clinical testing. Allele origin: germline. Affected: no.

Genome-Nilou Lab
Classification: Uncertain significance for Hereditary cryohydrocytosis with reduced stomatin. Last evaluated: 2023-04-11. Review status: criteria provided, single submitter. Criteria: ACMG Guidelines, 2015. Collection method: clinical testing. Allele origin: germline. Affected: no.

HudsonAlpha Institute for Biotechnology
Classification: Uncertain significance for Encephalopathy due to GLUT1 deficiency. Last evaluated: 2020-12-14. Review status: criteria provided, single submitter. Criteria: ACMG Guidelines, 2015. Collection method: research. Allele origin: unknown. Observed: 1 variant allele. Study: CSER-SouthSeq.

Revvity Omics, Revvity
Classification: Uncertain significance. Last evaluated: 2020-09-15. Review status: criteria provided, single submitter. Criteria: ACMG Guidelines, 2015. Collection method: clinical testing. Allele origin: germline.

NM_006516.4(SLC2A1):c.787T>C (p.Phe263Leu)

Gene: SLC2A1 (solute carrier family 2 member 1; minus strand). Cytogenetic location: 1p34.2.
Variant type: single nucleotide variant.
Coding change: c.787T>C on transcript NM_006516.4 (MANE Select); coding-DNA position 787, T replaced by C.
Protein change: p.Phe263Leu; replaces phenylalanine 263 with leucine.
Molecular consequence: missense variant.
Genome position (GRCh38, 1-based): chr1:42,929,673, A>G on the plus strand (T>C on the coding strand, the complement: SLC2A1 is on the minus strand). VCF-style: chr1-42929673-A-G. GRCh37 (hg19) VCF-style: chr1-43395344-A-G.
Other names: c.787T>C (NM_006516.2); short protein forms F263L.
Identifiers: ClinVar variation 992655 (VCV000992655.6), dbSNP rs1302959508, ClinGen allele CA339957718.
Genomic context (GRCh38, chr1:42,929,673, plus strand): 5'-GCTGGGACAGCTGCAGCACCACAGCGATGAGGATGGGCTGGCGGTAGGCGGGGGAGCGGA[A>G]CAGCTCCAGGATGGTGACCTTCTTCTCCCGCATCATCTGCCGACTCTCTTCCTTCATCTC-3'
Protein context (NP_006507.2, residues 253-273): REKKVTILEL[Phe263Leu]RSPAYRQPIL